The following is an entry in ClinVar:

NM_016464.5(TMEM138):c.166A>G (p.Ile56Val)

Gene: TMEM138 (transmembrane protein 138; plus strand). Cytogenetic location: 11q12.2.
Variant type: single nucleotide variant.
Coding change: c.166A>G on transcript NM_016464.5 (MANE Select); coding-DNA position 166, A replaced by G.
Protein change: p.Ile56Val; replaces isoleucine 56 with valine.
Molecular consequence: missense variant. On other transcripts: 5 prime UTR variant (1), non-coding transcript variant (1).
Genome position (GRCh38, 1-based): chr11:61,366,082, A>G. VCF-style: chr11-61366082-A-G. GRCh37 (hg19) VCF-style: chr11-61133554-A-G.
Other names: c.-9A>G (NM_001330281.2); c.166A>G, p.Ile56Val (NM_001410997.1, NM_001410998.1, NM_001410999.1); c.166A>G (NM_016464.4); short protein forms I56V.
Identifiers: ClinVar variation 2199672 (VCV002199672.2), dbSNP rs144007146, ClinGen allele CA6034553.

ClinVar aggregate classification (germline): Uncertain significance. Review status: criteria provided, multiple submitters, no conflicts (2 of 4 stars). 2 submissions from 2 submitters: Uncertain significance (2). Last evaluated 2025-02-01.

Conditions:
Joubert syndrome 16 (JBTS16). Identifiers: Orphanet 2318, MedGen C3280906, MONDO:0013764, OMIM 614465.
Inborn genetic diseases. Identifiers: MedGen C0950123, MeSH D030342.

Allele frequency attached by ClinVar (database versions not stated): TOPMed below 0.00001; ExAC 0.00001; gnomAD exomes 0.00003; ESP Exome Variant Server 0.00008.
gnomAD v4.1: 51 of 1,613,532 alleles (0.0032%); highest among the groups gnomAD compares: Non-Finnish European, 0.0042%; no homozygotes.

Submissions (2):

Ambry Genetics
Classification: Uncertain significance for Inborn genetic diseases. Last evaluated: 2025-02-01. Review status: criteria provided, single submitter. Criteria: Ambry Variant Classification Scheme 2023. Collection method: clinical testing. Allele origin: germline.

Labcorp Genetics (formerly Invitae), Labcorp
Classification: Uncertain significance for Joubert syndrome 16. Last evaluated: 2022-02-25. Review status: criteria provided, single submitter. Criteria: Invitae Variant Classification Sherloc (09022015). Collection method: clinical testing. Allele origin: germline.
Comment: This sequence change replaces isoleucine, which is neutral and non-polar, with valine, which is neutral and non-polar, at codon 56 of the TMEM138 protein (p.Ile56Val). This variant is present in population databases (rs144007146, gnomAD 0.003%). This variant has not been reported in the literature in individuals affected with TMEM138-related conditions. Algorithms developed to predict the effect of missense changes on protein structure and function output the following: SIFT: "Tolerated"; PolyPhen-2: "Benign"; Align-GVGD: "Class C0". The valine amino acid residue is found in multiple mammalian species, which suggests that this missense change does not adversely affect protein function. In summary, the available evidence is currently insufficient to determine the role of this variant in disease. Therefore, it has been classified as a Variant of Uncertain Significance.